The following is an entry in ClinVar:

NM_001458.5(FLNC):c.3859_3866del (p.His1287fs)

Gene: FLNC (filamin C; plus strand). Cytogenetic location: 7q32.1.
Variant type: Deletion.
Coding change: c.3859_3866del on transcript NM_001458.5 (MANE Select); coding-DNA positions 3859 to 3866, 8 bases deleted (CACGTGAC; older notation c.3859_3866delCACGTGAC).
Protein change: p.His1287fs; shifts the reading frame from histidine 1287.
Molecular consequence: frameshift variant.
Genome position (GRCh38, 1-based): chr7:128,846,058-128,846,065, CACGTGAC deleted; deleting any 8 consecutive bases within chr7:128,846,056-128,846,065 gives the same sequence; the c. name uses the placement nearest the transcript's 3' end. VCF-style (leftmost placement, unchanged base first): chr7-128846055-AACCACGTG-A. GRCh37 (hg19) VCF-style: chr7-128486109-AACCACGTG-A.
Other names: c.3859_3866del, p.His1287fs (NM_001127487.2); short protein forms H1287fs.
Identifiers: ClinVar variation 2116779 (VCV002116779.4), dbSNP rs2536640869, ClinGen allele CA2580076634.

ClinVar aggregate classification (germline): Pathogenic (1 of 4 stars; one submission).

Conditions:
Myofibrillar myopathy 5. Also called: Filaminopathy (type); FILAMINOPATHY, AUTOSOMAL DOMINANT. Identifiers: Orphanet 171445, MedGen C1836050, MONDO:0012289, OMIM 609524.
Distal myopathy with posterior leg and anterior hand involvement. Also called: WILLIAMS DISTAL MYOPATHY. Identifiers: Orphanet 63273, MedGen C3279722, MONDO:0013550, OMIM 614065.
Hypertrophic cardiomyopathy 26. Also called: Cardiomyopathy, familial hypertrophic, 26. Identifiers: Orphanet 75249, MedGen C4310749, MONDO:0014883, OMIM 617047.

Submission:

Labcorp Genetics (formerly Invitae), Labcorp
Classification: Pathogenic for Distal myopathy with posterior leg and anterior hand involvement; Myofibrillar myopathy 5; Hypertrophic cardiomyopathy 26. Last evaluated: 2022-03-25. Review status: criteria provided, single submitter. Criteria: Invitae Variant Classification Sherloc (09022015). Collection method: clinical testing. Allele origin: germline.
Comment: For these reasons, this variant has been classified as Pathogenic. This variant has not been reported in the literature in individuals affected with FLNC-related conditions. This variant is not present in population databases (gnomAD no frequency). This sequence change creates a premature translational stop signal (p.His1287Glyfs*42) in the FLNC gene. It is expected to result in an absent or disrupted protein product. Loss-of-function variants in FLNC are known to be pathogenic (PMID: 27908349).

Literature cited by the submitters: PubMed 27908349.